The following is an entry in ClinVar:

ClinVar aggregate classification (germline): Uncertain significance. Review status: criteria provided, multiple submitters, no conflicts (2 of 4 stars). 7 submissions from 7 submitters: Uncertain significance (5). 2 of the submissions do not count toward it. Last evaluated 2025-12-27.

Conditions:
Fanconi anemia (FA). Also called: Fanconi's anemia. Identifiers: Orphanet 84, MedGen C0015625, MeSH D005199, MONDO:0019391.
Fanconi anemia complementation group A (FANCA). Also called: Fanconi anemia, group A; FANCA-Related Fanconi Anemia. Identifiers: Orphanet 84, MedGen C3469521, MONDO:0009215, OMIM 227650.
FANCA-related disorder. Also called: FANCA-related condition.
Inborn genetic diseases. Identifiers: MedGen C0950123, MeSH D030342.

Allele frequency attached by ClinVar (database versions not stated): gnomAD 0.00001; gnomAD exomes 0.00001 and 0.00004; TOPMed 0.00001; ExAC 0.00003; 1000 Genomes Project 30x 0.00031; 1000 Genomes Project 0.00040.
gnomAD v4.1: 10 of 1,614,136 alleles (0.00062%); highest among the groups gnomAD compares: East Asian, 0.02%; no homozygotes.

Submissions (7):

Labcorp Genetics (formerly Invitae), Labcorp
Classification: Uncertain significance for Fanconi anemia. Last evaluated: 2025-12-27. Review status: criteria provided, single submitter. Criteria: Invitae Variant Classification Sherloc (09022015). Collection method: clinical testing. Allele origin: germline.
Comment: This sequence change replaces glutamic acid, which is acidic and polar, with lysine, which is basic and polar, at codon 559 of the FANCA protein (p.Glu559Lys). This variant is present in population databases (rs201323171, gnomAD 0.05%). This variant has not been reported in the literature in individuals affected with FANCA-related conditions. ClinVar contains an entry for this variant (Variation ID: 321356). Invitae Evidence Modeling of protein sequence and biophysical properties (such as structural, functional, and spatial information, amino acid conservation, physicochemical variation, residue mobility, and thermodynamic stability) has been performed for this missense variant. However, the output from this modeling did not meet the statistical confidence thresholds required to predict the impact of this variant on FANCA protein function. In summary, the available evidence is currently insufficient to determine the role of this variant in disease. Therefore, it has been classified as a Variant of Uncertain Significance.

Fulgent Genetics
Classification: Uncertain significance for Fanconi anemia complementation group A. Last evaluated: 2024-06-10. Review status: criteria provided, single submitter. Criteria: ACMG Guidelines, 2015. Collection method: clinical testing. Allele origin: germline.

Ambry Genetics
Classification: Uncertain significance for Inborn genetic diseases. Last evaluated: 2021-12-14. Review status: criteria provided, single submitter. Criteria: Ambry Variant Classification Scheme 2023. Collection method: clinical testing. Allele origin: germline.

Sema4
Classification: Uncertain significance for Fanconi anemia. Last evaluated: 2021-04-14. Review status: criteria provided, single submitter. Criteria: Sema4 Curation Guidelines. Collection method: curation. Allele origin: germline.
Comment: The FANCA c.1675G>A (p.E559K) variant has not been reported in the literature to our knowledge. It was observed in 10/18394 chromosomes, including 0 homozygotes, of the East Asian subpopulation in the large and broad cohorts of the Genome Aggregation Database (PMID: 32461654). The variant has been reported in ClinVar (Variation ID: 321356). In silico tools suggest the impact of the variant on protein function is inconclusive, though these predictions have not been confirmed by functional studies. The evidence is insufficient to meet ACMG/AMP criteria for classifying the variant as benign or pathogenic. Thus, the clinical significance of this variant is currently uncertain.

Illumina Laboratory Services, Illumina
Classification: Uncertain significance for Fanconi anemia complementation group A. Last evaluated: 2018-01-12. Review status: criteria provided, single submitter. Criteria: ICSL Variant Classification Criteria 13 December 2019. Collection method: clinical testing. Allele origin: germline.

PreventionGenetics, part of Exact Sciences
Classification: Uncertain significance for FANCA-related condition. Last evaluated: 2023-12-02. Review status: no assertion criteria provided. Collection method: clinical testing. Allele origin: germline. Not counted in ClinVar's aggregate classification.
Comment: The FANCA c.1675G>A variant is predicted to result in the amino acid substitution p.Glu559Lys. This variant was reported in an individual with pancreatic cancer (eTable 4 in Yin et al. 2022. PubMed ID: 35171259). This variant is reported in 0.054% of alleles in individuals of East Asian descent in gnomAD. At this time, the clinical significance of this variant is uncertain due to the absence of conclusive functional and genetic evidence.

Natera, Inc.
Classification: Uncertain significance for Fanconi anemia. Last evaluated: 2019-10-28. Review status: no assertion criteria provided. Collection method: clinical testing. Allele origin: germline. Not counted in ClinVar's aggregate classification.

NM_000135.4(FANCA):c.1675G>A (p.Glu559Lys)

Gene: FANCA (FA complementation group A; minus strand). Cytogenetic location: 16q24.3.
Variant type: single nucleotide variant.
Coding change: c.1675G>A on transcript NM_000135.4 (MANE Select); coding-DNA position 1675, G replaced by A.
Protein change: p.Glu559Lys; replaces glutamic acid 559 with lysine.
Molecular consequence: missense variant.
Genome position (GRCh38, 1-based): chr16:89,779,909, C>T on the plus strand (G>A on the coding strand, the complement: FANCA is on the minus strand). VCF-style: chr16-89779909-C-T. GRCh37 (hg19) VCF-style: chr16-89846317-C-T.
Other names: c.1675G>A (LRG_495t1); c.1675G>A, p.Glu559Lys (NM_001286167.3); short protein forms E559K.
Identifiers: ClinVar variation 321356 (VCV000321356.19), dbSNP rs201323171, ClinGen allele CA8252177.